The following is an entry in ClinVar:

NM_005215.4(DCC):c.3130+8T>A

Gene: DCC (DCC netrin 1 receptor; plus strand). Cytogenetic location: 18q21.2.
Variant type: single nucleotide variant.
Coding change: c.3130+8T>A on transcript NM_005215.4 (MANE Select); 8 bases into the intron after coding-DNA position 3130, T replaced by A.
Molecular consequence: intron variant.
Genome position (GRCh38, 1-based): chr18:53,410,654, T>A. VCF-style: chr18-53410654-T-A. GRCh37 (hg19) VCF-style: chr18-50937024-T-A.
Identifiers: ClinVar variation 3046485 (VCV003046485.2), dbSNP rs746031070, ClinGen allele CA8967364.

ClinVar aggregate classification (germline): Likely benign (0 of 4 stars; one submission).

Conditions:
DCC-related disorder. Also called: DCC-related condition.

Allele frequency attached by ClinVar (database versions not stated): gnomAD 0.00001; ExAC 0.00002; TOPMed 0.00002.

Submission:

PreventionGenetics, part of Exact Sciences
Classification: Likely benign for DCC-related condition. Last evaluated: 2019-04-05. Review status: no assertion criteria provided. Collection method: clinical testing. Allele origin: germline.
Comment: This variant is classified as likely benign based on ACMG/AMP sequence variant interpretation guidelines (Richards et al. 2015 PMID: 25741868, with internal and published modifications).